The following is an entry in ClinVar:

ClinVar aggregate classification (germline): Uncertain significance (1 of 4 stars; one submission).

Conditions:
BRCA2-related cancer predisposition. Identifiers: MedGen CN377758, MONDO:0700269.

Submission:

All of Us Research Program, National Institutes of Health
Classification: Uncertain significance for BRCA2-related cancer predisposition. Last evaluated: 2024-05-09. Review status: criteria provided, single submitter. Criteria: ACMG Guidelines, 2015. Collection method: clinical testing. Allele origin: germline. Inheritance: Autosomal dominant inheritance. Observed: 1 variant allele, 1 heterozygote.
Comment: This study involves interpretation of variants in research participants for the purpose of population health screening. Participant phenotype was not available at the time of variant classification. Additional details can be found in publication PMID: 35346344, PMCID: PMC8962531

NM_000059.4(BRCA2):c.3937T>A (p.Tyr1313Asn)

Gene: BRCA2 (BRCA2 DNA repair associated; plus strand). Cytogenetic location: 13q13.1.
Variant type: single nucleotide variant.
Coding change: c.3937T>A on transcript NM_000059.4 (MANE Select); coding-DNA position 3937, T replaced by A.
Protein change: p.Tyr1313Asn; replaces tyrosine 1313 with asparagine.
Molecular consequence: missense variant. On other transcripts: non-coding transcript variant (1), intron variant (2).
Genome position (GRCh38, 1-based): chr13:32,338,292, T>A. VCF-style: chr13-32338292-T-A. GRCh37 (hg19) VCF-style: chr13-32912429-T-A.
Other names: c.3937T>A, p.Tyr1313Asn (NM_001406719.1, NM_001406720.1, NM_001432077.1); c.1909+4905T>A (NM_001406721.1); c.425-6266T>A (NM_001406722.1); short protein forms Y1313N.
Identifiers: ClinVar variation 3386246 (VCV003386246.1).